The following is an entry in ClinVar:

NM_006949.4(STXBP2):c.441C>G (p.Leu147=)

Gene: STXBP2 (syntaxin binding protein 2; plus strand). Cytogenetic location: 19p13.2.
Variant type: single nucleotide variant.
Coding change: c.441C>G on transcript NM_006949.4 (MANE Select); coding-DNA position 441, C replaced by G.
Protein change: p.Leu147=; no amino-acid change (leucine 147 retained).
Molecular consequence: synonymous variant. On other transcripts: non-coding transcript variant (1).
Genome position (GRCh38, 1-based): chr19:7,641,716, C>G. VCF-style: chr19-7641716-C-G. GRCh37 (hg19) VCF-style: chr19-7706602-C-G.
Other names: c.432C>G, p.Leu144= (NM_001127396.3); c.474C>G, p.Leu158= (NM_001272034.2); c.345C>G, p.Leu115= (NM_001414484.1); c.441C>G (NM_006949.3).
Identifiers: ClinVar variation 2866216 (VCV002866216.4), dbSNP rs749948057, ClinGen allele CA505236476.

ClinVar aggregate classification (germline): Likely benign. Review status: criteria provided, multiple submitters, no conflicts (2 of 4 stars). 2 submissions from 2 submitters: Likely benign (2). Last evaluated 2026-01-02.

Conditions:
STXBP2-related disorder. Also called: STXBP2-related condition.
Familial hemophagocytic lymphohistiocytosis 5. Also called: STXBP2-Related Familial Hemophagocytic Lymphohistiocytosis (STXBP2-fHLH). Identifiers: Orphanet 540, MedGen C2751293, MONDO:0013135, OMIM 613101.

gnomAD v4.1: 1 of 1,554,032 alleles (0.000064%); highest among the groups gnomAD compares: Non-Finnish European, 0.000087%; no homozygotes.

Submissions (2):

PreventionGenetics, part of Exact Sciences
Classification: Likely benign for STXBP2-related condition. Last evaluated: 2026-01-02. Review status: criteria provided, single submitter. Criteria: ACMG Guidelines, 2015. Collection method: clinical testing. Allele origin: germline.
Comment: This variant is classified as likely benign based on ACMG/AMP sequence variant interpretation guidelines (Richards et al. 2015 PMID: 25741868, with internal and published modifications).

Labcorp Genetics (formerly Invitae), Labcorp
Classification: Likely benign for Familial hemophagocytic lymphohistiocytosis 5. Last evaluated: 2025-12-30. Review status: criteria provided, single submitter. Criteria: Invitae Variant Classification Sherloc (09022015). Collection method: clinical testing. Allele origin: germline.